The following is an entry in ClinVar:

ClinVar aggregate classification (germline): Uncertain significance. Review status: criteria provided, multiple submitters, no conflicts (2 of 4 stars). 2 submissions from 2 submitters: Uncertain significance (2). Last evaluated 2024-03-07.

Conditions:
Fanconi anemia (FA). Also called: Fanconi's anemia. Identifiers: Orphanet 84, MedGen C0015625, MeSH D005199, MONDO:0019391.
Fanconi anemia complementation group B (FANCB). Also called: FANCONI PANCYTOPENIA, TYPE 2; FANCB-Related Fanconi Anemia. Identifiers: Orphanet 84, MedGen C1845292, MONDO:0010351, OMIM 300514.

Submissions (2):

Labcorp Genetics (formerly Invitae), Labcorp
Classification: Uncertain significance for Fanconi anemia. Last evaluated: 2024-03-07. Review status: criteria provided, single submitter. Criteria: Invitae Variant Classification Sherloc (09022015). Collection method: clinical testing. Allele origin: germline.
Comment: This sequence change replaces threonine, which is neutral and polar, with alanine, which is neutral and non-polar, at codon 40 of the FANCB protein (p.Thr40Ala). This variant is not present in population databases (gnomAD no frequency). This variant has not been reported in the literature in individuals affected with FANCB-related conditions. ClinVar contains an entry for this variant (Variation ID: 1974773). Algorithms developed to predict the effect of missense changes on protein structure and function output the following: SIFT: "Not Available"; PolyPhen-2: "Benign"; Align-GVGD: "Not Available". The alanine amino acid residue is found in multiple mammalian species, which suggests that this missense change does not adversely affect protein function. In summary, the available evidence is currently insufficient to determine the role of this variant in disease. Therefore, it has been classified as a Variant of Uncertain Significance.

Fulgent Genetics
Classification: Uncertain significance for Fanconi anemia complementation group B. Last evaluated: 2024-01-08. Review status: criteria provided, single submitter. Criteria: ACMG Guidelines, 2015. Collection method: clinical testing. Allele origin: germline.

NM_001018113.3(FANCB):c.118A>G (p.Thr40Ala)

Gene: FANCB (FA complementation group B; minus strand). Cytogenetic location: Xp22.2.
Variant type: single nucleotide variant.
Coding change: c.118A>G on transcript NM_001018113.3 (MANE Select); coding-DNA position 118, A replaced by G.
Protein change: p.Thr40Ala; replaces threonine 40 with alanine.
Molecular consequence: missense variant. On other transcripts: non-coding transcript variant (1).
Genome position (GRCh38, 1-based): chrX:14,865,393, T>C on the plus strand (A>G on the coding strand, the complement: FANCB is on the minus strand). VCF-style: chrX-14865393-T-C. GRCh37 (hg19) VCF-style: chrX-14883515-T-C.
Other names: c.118A>G, p.Thr40Ala (NM_001324162.2, NM_001410764.1, NM_152633.4); short protein forms T40A.
Identifiers: ClinVar variation 1974773 (VCV001974773.5), dbSNP rs2519013673, ClinGen allele CA412445245.